The following is an entry in ClinVar:

NM_182961.4(SYNE1):c.22150T>G (p.Ser7384Ala)

Gene: SYNE1 (spectrin repeat containing nuclear envelope protein 1; minus strand). Cytogenetic location: 6q25.2.
Variant type: single nucleotide variant.
Coding change: c.22150T>G on transcript NM_182961.4 (MANE Select); coding-DNA position 22150, T replaced by G.
Protein change: p.Ser7384Ala; replaces serine 7384 with alanine.
Molecular consequence: missense variant.
Genome position (GRCh38, 1-based): chr6:152,218,298, A>C on the plus strand (T>G on the coding strand, the complement: SYNE1 is on the minus strand). VCF-style: chr6-152218298-A-C. GRCh37 (hg19) VCF-style: chr6-152539433-A-C.
Other names: c.21937T>G, p.Ser7313Ala (NM_033071.5); short protein forms S7384A, S7313A.
Identifiers: ClinVar variation 3571819 (VCV003571819.1).

ClinVar aggregate classification (germline): Uncertain significance (1 of 4 stars; one submission).

gnomAD v4.1: 3 of 1,613,996 alleles (0.00019%); highest among the groups gnomAD compares: Non-Finnish European, 0.00025%; no homozygotes.

Submission:

Athena Diagnostics
Classification: Uncertain significance. Last evaluated: 2024-04-29. Review status: criteria provided, single submitter. Criteria: Athena Diagnostics Criteria. Collection method: clinical testing. Allele origin: unknown.
Comment: Available data are insufficient to determine the clinical significance of the variant at this time. The frequency of this variant in the general population is uninformative in assessment of its pathogenicity. Polyphen and MutationTaster yielded discordant predictions regarding whether this amino acid change is damaging to the protein.